The following is an entry in ClinVar:

ClinVar aggregate classification (germline): Conflicting classifications of pathogenicity. Review status: criteria provided, conflicting classifications (1 of 4 stars). 4 submissions from 4 submitters: Uncertain significance (1); Likely benign (2). 1 of the submissions does not count toward it. Last evaluated 2026-01-01.

Conditions:
Inborn genetic diseases. Identifiers: MedGen C0950123, MeSH D030342.
CACNA1G-related disorder. Also called: CACNA1G-related disorders; CACNA1G-related condition.

Allele frequency attached by ClinVar (database versions not stated): ExAC 0.00001; gnomAD 0.00001; TOPMed 0.00002; gnomAD exomes 0.00003.
gnomAD v4.1: 49 of 1,612,756 alleles (0.003%); highest among the groups gnomAD compares: Admixed American, 0.012%; no homozygotes.

Submissions (4):

CeGaT Center for Human Genetics Tuebingen
Classification: Likely benign. Last evaluated: 2026-01-01. Review status: criteria provided, single submitter. Criteria: CeGaT Center For Human Genetics Tuebingen Variant Classification Criteria Version 2. Collection method: clinical testing. Allele origin: germline. Affected: yes. Observed: 2 variant alleles.
Comment: CACNA1G: BP4

Labcorp Genetics (formerly Invitae), Labcorp
Classification: Likely benign. Last evaluated: 2025-05-11. Review status: criteria provided, single submitter. Criteria: Invitae Variant Classification Sherloc (09022015). Collection method: clinical testing. Allele origin: germline.

Ambry Genetics
Classification: Uncertain significance for Inborn genetic diseases. Last evaluated: 2023-04-17. Review status: criteria provided, single submitter. Criteria: Ambry Variant Classification Scheme 2023. Collection method: clinical testing. Allele origin: germline.
Comment: The c.4513-6C>T intronic alteration consists of a C to T substitution 6 nucleotides before coding exon 25 in the CACNA1G gene. Based on insufficient or conflicting evidence, the clinical significance of this alteration remains unclear.

PreventionGenetics, part of Exact Sciences
Classification: Likely benign for CACNA1G-related condition. Last evaluated: 2020-07-14. Review status: no assertion criteria provided. Collection method: clinical testing. Allele origin: germline. Not counted in ClinVar's aggregate classification.
Comment: This variant is classified as likely benign based on ACMG/AMP sequence variant interpretation guidelines (Richards et al. 2015 PMID: 25741868, with internal and published modifications).

NM_018896.5(CACNA1G):c.4513-6C>T

Gene: CACNA1G (calcium voltage-gated channel subunit alpha1 G; plus strand). Cytogenetic location: 17q21.33.
Variant type: single nucleotide variant.
Coding change: c.4513-6C>T on transcript NM_018896.5 (MANE Select); 6 bases into the intron before coding-DNA position 4513, C replaced by T.
Molecular consequence: intron variant.
Genome position (GRCh38, 1-based): chr17:50,607,821, C>T. VCF-style: chr17-50607821-C-T. GRCh37 (hg19) VCF-style: chr17-48685182-C-T.
Other names: c.4513-6C>T (NM_198380.3, NM_198378.3, NM_001256334.2 and 10 more transcripts); c.4513-81C>T (NM_001256360.2); c.4513-87C>T (NM_001256361.2, NM_001256359.2); c.4513-108C>T (NM_001256326.2, NM_001256330.2, NM_001256329.2 and 1 more transcripts); c.4444-6C>T (NM_198396.3, NM_198379.3, NM_198387.3 and 4 more transcripts); c.4444-108C>T (NM_001256332.2).
Identifiers: ClinVar variation 2530328 (VCV002530328.28), dbSNP rs749813523, ClinGen allele CA8653101.